The following is an entry in ClinVar:

NM_001378454.1(ALMS1):c.11268CAC[1] (p.Thr3758del)

Gene: ALMS1 (ALMS1 centrosome and basal body associated protein; plus strand). Cytogenetic location: 2p13.1.
Variant type: Microsatellite.
Coding change: c.11268CAC[1] on transcript NM_001378454.1 (MANE Select); one copy of the 3-base unit CAC starting at c.11268; the reference has two copies in a row; one copy, 3 bases deleted.
Protein change: p.Thr3758del; deletes threonine 3758.
Molecular consequence: inframe deletion.
Genome position (GRCh38, 1-based): chr2:73,573,148-73,573,150, CAC deleted; deleting any 3 consecutive bases within chr2:73,573,145-73,573,150 gives the same sequence; the position shown is the placement nearest the transcript's 3' end. VCF-style (leftmost placement, unchanged base first): chr2-73573144-GCAC-G. GRCh37 (hg19) VCF-style: chr2-73800271-GCAC-G.
Other names: c.11271CAC[1], p.Thr3759del (NM_015120.4); short protein forms T3759del, T3758del.
Identifiers: ClinVar variation 1984917 (VCV001984917.4), dbSNP rs2466446834, ClinGen allele CA2580611370.

ClinVar aggregate classification (germline): Uncertain significance (1 of 4 stars; one submission).

Conditions:
Alstrom syndrome (ALMS). Identifiers: Orphanet 64, MedGen C0268425, MONDO:0008763, OMIM 203800.

Submission:

Labcorp Genetics (formerly Invitae), Labcorp
Classification: Uncertain significance for Alstrom syndrome. Last evaluated: 2025-01-13. Review status: criteria provided, single submitter. Criteria: Invitae Variant Classification Sherloc (09022015). Collection method: clinical testing. Allele origin: germline.
Comment: This variant, c.11274_11276del, results in the deletion of 1 amino acid(s) of the ALMS1 protein (p.Thr3759del), but otherwise preserves the integrity of the reading frame. This variant is not present in population databases (gnomAD no frequency). This variant has not been reported in the literature in individuals affected with ALMS1-related conditions. Experimental studies and prediction algorithms are not available or were not evaluated, and the functional significance of this variant is currently unknown. In summary, the available evidence is currently insufficient to determine the role of this variant in disease. Therefore, it has been classified as a Variant of Uncertain Significance.